The following is an entry in ClinVar:

NM_198834.3(ACACA):c.5573C>T (p.Thr1858Met)

Gene: ACACA (acetyl-CoA carboxylase alpha; minus strand). Cytogenetic location: 17q12.
Variant type: single nucleotide variant.
Coding change: c.5573C>T on transcript NM_198834.3 (MANE Select); coding-DNA position 5573, C replaced by T.
Protein change: p.Thr1858Met; replaces threonine 1858 with methionine.
Molecular consequence: missense variant.
Genome position (GRCh38, 1-based): chr17:37,149,970, G>A on the plus strand (C>T on the coding strand, the complement: ACACA is on the minus strand). VCF-style: chr17-37149970-G-A. GRCh37 (hg19) VCF-style: chr17-35506894-G-A.
Other names: c.5462C>T, p.Thr1821Met (NM_198836.3, NM_198839.3); c.5288C>T, p.Thr1763Met (NM_198837.2); c.5228C>T, p.Thr1743Met (NM_198838.2); short protein forms T1763M, T1743M, T1858M, T1821M.
Identifiers: ClinVar variation 2233503 (VCV002233503.3), dbSNP rs751971187, ClinGen allele CA8514824.
Genomic context (GRCh38, chr17:37,149,970, plus strand): 5'-ACCTGGATGGTTCTCTGTCCCAGCCGGACAAGGTAAGCCCCAATCCCAATGGCCCGGCAC[G>A]TCACCTTAGAAAAGAATAAATTCTACATGTCACATATTTATGTCCTCTCTGAAGCTATAA-3'
Protein context (NP_942131.1, residues 1848-1868): YNEIITISLV[Thr1858Met]CRAIGIGAYL

ClinVar aggregate classification (germline): Uncertain significance. Review status: criteria provided, multiple submitters, no conflicts (2 of 4 stars). 2 submissions from 2 submitters: Uncertain significance (2). Last evaluated 2025-11-28.

Allele frequency attached by ClinVar (database versions not stated): ExAC 0.00002; gnomAD exomes 0.00002; gnomAD 0.00003; TOPMed 0.00003.
gnomAD v4.1: 28 of 1,613,848 alleles (0.0017%); highest among the groups gnomAD compares: East Asian, 0.011%; no homozygotes.

Submissions (2):

Labcorp Genetics (formerly Invitae), Labcorp
Classification: Uncertain significance. Last evaluated: 2025-11-28. Review status: criteria provided, single submitter. Criteria: Invitae Variant Classification Sherloc (09022015). Collection method: clinical testing. Allele origin: germline.
Comment: This sequence change replaces threonine, which is neutral and polar, with methionine, which is neutral and non-polar, at codon 1821 of the ACACA protein (p.Thr1821Met). This variant is present in population databases (rs751971187, gnomAD 0.007%). This variant has not been reported in the literature in individuals affected with ACACA-related conditions. ClinVar contains an entry for this variant (Variation ID: 2233503). An algorithm developed to predict the effect of missense changes on protein structure and function (PolyPhen-2) suggests that this variant is likely to be disruptive. In summary, the available evidence is currently insufficient to determine the role of this variant in disease. Therefore, it has been classified as a Variant of Uncertain Significance.

Ambry Genetics
Classification: Uncertain significance. Last evaluated: 2021-06-18. Review status: criteria provided, single submitter. Criteria: Ambry Variant Classification Scheme 2023. Collection method: clinical testing. Allele origin: germline.